The following is an entry in ClinVar:

ClinVar aggregate classification (germline): Uncertain significance. Review status: criteria provided, multiple submitters, no conflicts (2 of 4 stars). 2 submissions from 2 submitters: Uncertain significance (2). Last evaluated 2025-05-18.

Conditions:
Epidermolysis bullosa simplex with nail dystrophy (EBS5D). Identifiers: MedGen C4225309, MONDO:0014661, OMIM 616487.
Epidermolysis bullosa simplex 5C, with pyloric atresia (EBS5C). Also called: PLEC-Related Epidermolysis Bullosa with Pyloric Atresia; Epidermolysis bullosa simplex with pyloric atresia; PLEC1-Related Epidermolysis Bullosa with Pyloric Atresia. Identifiers: Orphanet 158684, MedGen C2677349, MONDO:0012807, OMIM 612138.
Autosomal recessive limb-girdle muscular dystrophy type 2Q (LGMDR17). Also called: MUSCULAR DYSTROPHY, LIMB-GIRDLE, AUTOSOMAL RECESSIVE 17. Identifiers: Orphanet 254361, MedGen C3150989, MONDO:0013390, OMIM 613723.
Epidermolysis bullosa simplex 5B, with muscular dystrophy (EBS5B). Also called: EPIDERMOLYSIS BULLOSA SIMPLEX AND LIMB-GIRDLE MUSCULAR DYSTROPHY; Epidermolysis bullosa simplex with muscular dystrophy. Identifiers: Orphanet 257, MedGen C2931072, MONDO:0009181, OMIM 226670.
Epidermolysis bullosa simplex, Ogna type (EBS5A). Also called: Pidermolysis bullosa simplex 5A, Ogna type; EPIDERMOLYSIS BULLOSA SIMPLEX 5A, OGNA TYPE. Identifiers: Orphanet 79401, MedGen C0432317, MONDO:0007555, OMIM 131950.

gnomAD v4.1: 25 of 1,594,488 alleles (0.0016%); highest among the groups gnomAD compares: Non-Finnish European, 0.002%; no homozygotes.

Submissions (2):

Labcorp Genetics (formerly Invitae), Labcorp
Classification: Uncertain significance for Autosomal recessive limb-girdle muscular dystrophy type 2Q; Epidermolysis bullosa simplex, Ogna type; Epidermolysis bullosa simplex with nail dystrophy; Epidermolysis bullosa simplex 5C, with pyloric atresia; Epidermolysis bullosa simplex 5B, with muscular dystrophy. Last evaluated: 2025-05-18. Review status: criteria provided, single submitter. Criteria: Invitae Variant Classification Sherloc (09022015). Collection method: clinical testing. Allele origin: germline.
Comment: This sequence change replaces phenylalanine, which is neutral and non-polar, with leucine, which is neutral and non-polar, at codon 1173 of the PLEC protein (p.Phe1173Leu). This variant is not present in population databases (gnomAD no frequency). This variant has not been reported in the literature in individuals affected with PLEC-related conditions. ClinVar contains an entry for this variant (Variation ID: 283268). Invitae Evidence Modeling of protein sequence and biophysical properties (such as structural, functional, and spatial information, amino acid conservation, physicochemical variation, residue mobility, and thermodynamic stability) indicates that this missense variant is expected to disrupt PLEC protein function with a positive predictive value of 80%. In summary, the available evidence is currently insufficient to determine the role of this variant in disease. Therefore, it has been classified as a Variant of Uncertain Significance.

Eurofins Ntd Llc (ga)
Classification: Uncertain significance. Last evaluated: 2015-09-11. Review status: criteria provided, single submitter. Criteria: EGL Classification Definitions 2015. Collection method: clinical testing. Allele origin: germline. Observed: 1 variant allele, 1 heterozygote.

NM_201384.3(PLEC):c.3438C>G (p.Phe1146Leu)

Gene: PLEC (plectin; minus strand). Cytogenetic location: 8q24.3.
Variant type: single nucleotide variant.
Coding change: c.3438C>G on transcript NM_201384.3 (MANE Select); coding-DNA position 3438, C replaced by G.
Protein change: p.Phe1146Leu; replaces phenylalanine 1146 with leucine.
Molecular consequence: missense variant.
Genome position (GRCh38, 1-based): chr8:143,927,728, G>C on the plus strand (C>G on the coding strand, the complement: PLEC is on the minus strand). VCF-style: chr8-143927728-G-C. GRCh37 (hg19) VCF-style: chr8-145001896-G-C.
Other names: c.3519C>G, p.Phe1173Leu (NM_000445.5); c.3396C>G, p.Phe1132Leu (NM_201378.4); c.3372C>G, p.Phe1124Leu (NM_201379.3); c.3849C>G, p.Phe1283Leu (NM_201380.4); c.3342C>G, p.Phe1114Leu (NM_201381.3); c.3438C>G, p.Phe1146Leu (NM_201382.4); c.3450C>G, p.Phe1150Leu (NM_201383.3); short protein forms F1146L, F1150L, F1173L, F1283L, F1124L, F1132L, F1114L.
Identifiers: ClinVar variation 283268 (VCV000283268.12), dbSNP rs781833275, ClinGen allele CA10604444.
Genomic context (GRCh38, chr8:143,927,728, plus strand): 5'-CCGCTGCTGCAGTCGCTCCCCCACCTCCTGTGCCCCCCGCAGCTCATCCCGCAGGGCGTC[G>C]AACGTGGGCTGCTGTGCCTCGGCCTGGGCCCGCAGCTTCTGTTGGGGACAGGAGGGACAT-3'
Protein context (NP_958786.1, residues 1136-1156): RAQAEAQQPT[Phe1146Leu]DALRDELRGA